The following is an entry in ClinVar:

NM_001039213.4(CEACAM16):c.970G>A (p.Val324Met)

Genes: CEACAM16 (CEA cell adhesion molecule 16, tectorial membrane component; plus strand), CEACAM16-AS1 (CEACAM16, CEACAM19 and PVR antisense RNA 1; minus strand). Cytogenetic location: 19q13.32.
Variant type: single nucleotide variant.
Coding change: c.970G>A on transcript NM_001039213.4 (MANE Select); coding-DNA position 970, G replaced by A.
Protein change: p.Val324Met; replaces valine 324 with methionine.
Molecular consequence: missense variant.
Genome position (GRCh38, 1-based): chr19:44,707,890, G>A. VCF-style: chr19-44707890-G-A. GRCh37 (hg19) VCF-style: chr19-45211162-G-A.
Other names: short protein forms V324M.
Identifiers: ClinVar variation 228515 (VCV000228515.10), dbSNP rs747285667, ClinGen allele CA9503203.
Genomic context (GRCh38, chr19:44,707,890, plus strand): 5'-AACTGACCCAGCCCGCTCGCTCTCTCCCCAGCTGCAGCAGTTGCCACGATGATCGTGCCC[G>A]TGCCCACCAAGCCAACGGAGGGCCAGGACGTAACACTGACCGTGCAGGGCTACCCCAAGG-3'
Protein context (NP_001034302.2, residues 314-334): AAAVATMIVP[Val324Met]PTKPTEGQDV

ClinVar aggregate classification (germline): Uncertain significance. Review status: criteria provided, multiple submitters, no conflicts (2 of 4 stars). 2 submissions from 2 submitters: Uncertain significance (2). Last evaluated 2022-09-07.

Allele frequency attached by ClinVar (database versions not stated): gnomAD 0.00003; ExAC 0.00007; TOPMed 0.00006; gnomAD exomes 0.00005.

Submissions (2):

Labcorp Genetics (formerly Invitae), Labcorp
Classification: Uncertain significance. Last evaluated: 2022-09-07. Review status: criteria provided, single submitter. Criteria: Invitae Variant Classification Sherloc (09022015). Collection method: clinical testing. Allele origin: germline.
Comment: In summary, the available evidence is currently insufficient to determine the role of this variant in disease. Therefore, it has been classified as a Variant of Uncertain Significance. Algorithms developed to predict the effect of missense changes on protein structure and function are either unavailable or do not agree on the potential impact of this missense change (SIFT: "Deleterious"; PolyPhen-2: "Benign"; Align-GVGD: "Class C0"). ClinVar contains an entry for this variant (Variation ID: 228515). This variant has not been reported in the literature in individuals affected with CEACAM16-related conditions. This variant is present in population databases (rs747285667, gnomAD 0.02%). This sequence change replaces valine, which is neutral and non-polar, with methionine, which is neutral and non-polar, at codon 324 of the CEACAM16 protein (p.Val324Met).

Laboratory for Molecular Medicine, Mass General Brigham Personalized Medicine
Classification: Uncertain significance. Last evaluated: 2015-07-26. Review status: criteria provided, single submitter. Criteria: LMM Criteria. Collection method: clinical testing. Allele origin: germline. Observed: 1 variant allele.
Comment: Variant classified as Uncertain Significance - Favor Benign. The p.Val324Met var iant in CEACAM16 has not been previously reported in individuals with hearing lo ss. This variant has been identified in 4/45370 European chromosomes by the Exom e Aggregation Consortium (ExAC; dbSNP rs74728566 7). The valine (Val) at position 324 is not conserved in mammals, with 1 primate (gibbon) having a methionine (Met) at this position. Additional computational p rediction tools do not provide strong support for or against an impact to the pr otein. In summary, while the clinical significance of the p.Val324Met variant is uncertain, the lack of evolutionarily conservation suggests that it is more lik ely to be benign.